The following is an entry in ClinVar:

ClinVar aggregate classification (germline): Pathogenic/Likely pathogenic. Review status: criteria provided, multiple submitters, no conflicts (2 of 4 stars). 4 submissions from 4 submitters: Pathogenic (1); Likely pathogenic (1). 2 of the submissions do not count toward it. Last evaluated 2026-09-15.

Conditions:
Neurofibromatosis, type 1 (NF1). Also called: NEUROFIBROMATOSIS, TYPE I, SOMATIC; Neurofibromatosis, type I; VON RECKLINGHAUSEN DISEASE; Peripheral type neurofibromatosis. Identifiers: Orphanet 636, MedGen C0027831, MONDO:0018975, OMIM 162200. Disease mechanism: loss of function.

Submissions (4):

GeneDx
Classification: Likely pathogenic. Last evaluated: 2026-09-15. Review status: criteria provided, single submitter. Criteria: GeneDx Variant Classification Process June 2021. Collection method: clinical testing. Allele origin: germline.
Comment: Not observed at significant frequency in large population cohorts (gnomAD); In silico analysis supports that this missense variant has a deleterious effect on protein structure/function; Has not been previously published as pathogenic or benign to our knowledge; This variant is associated with the following publications: (PMID: 23656349, 30104198, 22807134, 25486365)

Labcorp Genetics (formerly Invitae), Labcorp
Classification: Pathogenic for Neurofibromatosis, type 1. Last evaluated: 2025-08-04. Review status: criteria provided, single submitter. Criteria: Invitae Variant Classification Sherloc (09022015). Collection method: clinical testing. Allele origin: germline.
Comment: This sequence change replaces tryptophan, which is neutral and slightly polar, with arginine, which is basic and polar, at codon 1258 of the NF1 protein (p.Trp1258Arg). This variant is not present in population databases (gnomAD no frequency). This missense change has been observed in individual(s) with NF1-related conditions (PMID: 21520333; internal data). In at least one individual the variant was observed to be de novo. ClinVar contains an entry for this variant (Variation ID: 655055). Invitae Evidence Modeling of protein sequence and biophysical properties (such as structural, functional, and spatial information, amino acid conservation, physicochemical variation, residue mobility, and thermodynamic stability) indicates that this missense variant is expected to disrupt NF1 protein function with a positive predictive value of 95%. For these reasons, this variant has been classified as Pathogenic.

Clinical Genetics DNA and cytogenetics Diagnostics Lab, Erasmus MC, Erasmus Medical Center
Classification: Pathogenic. Review status: no assertion criteria provided. Collection method: clinical testing. Allele origin: germline. Affected: yes. Study: VKGL Data-share Consensus. Not counted in ClinVar's aggregate classification.

Diagnostic Laboratory, Department of Genetics, University Medical Center Groningen
Classification: Pathogenic. Review status: no assertion criteria provided. Collection method: clinical testing. Allele origin: germline. Affected: yes. Study: VKGL Data-share Consensus. Not counted in ClinVar's aggregate classification.

Literature cited by the submitters: PubMed 21520333 (cited by Labcorp Genetics (formerly Invitae), Labcorp).

NM_001042492.3(NF1):c.3772T>C (p.Trp1258Arg)

Gene: NF1 (neurofibromin 1; plus strand). Cytogenetic location: 17q11.2.
Variant type: single nucleotide variant.
Coding change: c.3772T>C on transcript NM_001042492.3 (MANE Select); coding-DNA position 3772, T replaced by C.
Protein change: p.Trp1258Arg; replaces tryptophan 1258 with arginine.
Molecular consequence: missense variant.
Genome position (GRCh38, 1-based): chr17:31,235,674, T>C. VCF-style: chr17-31235674-T-C. GRCh37 (hg19) VCF-style: chr17-29562692-T-C.
Other names: c.3772T>C, p.Trp1258Arg (NM_000267.4); short protein forms W1258R.
Identifiers: ClinVar variation 655055 (VCV000655055.6), dbSNP rs1597722508, ClinGen allele CA398992539.
Genomic context (GRCh38, chr17:31,235,674, plus strand): 5'-GAACTAGCTCGAGTTCTGGTTACTCTGTTTGATTCTCGGCATTTACTCTACCAACTGCTC[T>C]GGAACATGTTTTCTAAAGAAGTAGAATTGGCAGACTCCATGCAGACTCTCTTCCGAGGCA-3'
Protein context (NP_001035957.1, residues 1248-1268): DSRHLLYQLL[Trp1258Arg]NMFSKEVELA